The following is an entry in ClinVar:

NM_001009944.3(PKD1):c.7562A>G (p.His2521Arg)

Gene: PKD1 (polycystin 1, transient receptor potential channel interacting; minus strand). Cytogenetic location: 16p13.3.
Variant type: single nucleotide variant.
Coding change: c.7562A>G on transcript NM_001009944.3 (MANE Select); coding-DNA position 7562, A replaced by G.
Protein change: p.His2521Arg; replaces histidine 2521 with arginine.
Molecular consequence: missense variant.
Genome position (GRCh38, 1-based): chr16:2,106,232, T>C on the plus strand (A>G on the coding strand, the complement: PKD1 is on the minus strand). VCF-style: chr16-2106232-T-C. GRCh37 (hg19) VCF-style: chr16-2156233-T-C.
Other names: c.7562A>G, p.His2521Arg (NM_000296.4); short protein forms H2521R.
Identifiers: ClinVar variation 2353252 (VCV002353252.3), dbSNP rs202162543, ClinGen allele CA7831032.
Genomic context (GRCh38, chr16:2,106,232, plus strand): 5'-GGGGGCAGCACGGCTCCGTAGCTGGAGAGGCTGCCCTTGTAGACACAGAACTCCTCGCAG[T>C]GGCCCTGGCGACAGCGCCGCAGCAGCAGGGCGTACACCAGCGGGGCGCCAGCATCCTCCG-3'
Protein context (NP_001009944.3, residues 2511-2531): ALLLRRCRQG[His2521Arg]CEEFCVYKGS

ClinVar aggregate classification (germline): Conflicting classifications of pathogenicity. Review status: criteria provided, conflicting classifications (1 of 4 stars). 2 submissions from 2 submitters: Uncertain significance (1); Likely benign (1). Last evaluated 2025-12-20.

Conditions:
PKD1-related disorder. Also called: PKD1-related condition.
Inborn genetic diseases. Identifiers: MedGen C0950123, MeSH D030342.

Allele frequency attached by ClinVar (database versions not stated): ExAC 0.00013; 1000 Genomes Project 30x 0.00016; 1000 Genomes Project 0.00020.
gnomAD v4.1: 62 of 1,610,204 alleles (0.0039%); highest among the groups gnomAD compares: South Asian, 0.064%; no homozygotes.

Submissions (2):

PreventionGenetics, part of Exact Sciences
Classification: Likely benign for PKD1-related condition. Last evaluated: 2025-12-20. Review status: criteria provided, single submitter. Criteria: ACMG Guidelines, 2015. Collection method: clinical testing. Allele origin: germline.
Comment: This variant is classified as likely benign based on ACMG/AMP sequence variant interpretation guidelines (Richards et al. 2015 PMID: 25741868, with internal and published modifications).

Ambry Genetics
Classification: Uncertain significance for Inborn genetic diseases. Last evaluated: 2022-07-27. Review status: criteria provided, single submitter. Criteria: Ambry Variant Classification Scheme 2023. Collection method: clinical testing. Allele origin: germline.